The following is an entry in ClinVar:

ClinVar aggregate classification (germline): Uncertain significance (1 of 4 stars; one submission).

gnomAD v4.1: 6 of 1,597,832 alleles (0.00038%); highest among the groups gnomAD compares: Admixed American, 0.0033%; no homozygotes.

Submission:

GeneDx
Classification: Uncertain significance. Last evaluated: 2023-03-28. Review status: criteria provided, single submitter. Criteria: GeneDx Variant Classification Process June 2021. Collection method: clinical testing. Allele origin: germline. Affected: yes.
Comment: Not observed at significant frequency in large population cohorts (gnomAD); In silico analysis supports that this missense variant does not alter protein structure/function; Has not been previously published as pathogenic or benign to our knowledge

NM_001163809.2(WDR81):c.5484G>T (p.Glu1828Asp)

Gene: WDR81 (WD repeat domain 81; plus strand). Cytogenetic location: 17p13.3.
Variant type: single nucleotide variant.
Coding change: c.5484G>T on transcript NM_001163809.2 (MANE Select); coding-DNA position 5484, G replaced by T.
Protein change: p.Glu1828Asp; replaces glutamic acid 1828 with aspartic acid.
Molecular consequence: missense variant.
Genome position (GRCh38, 1-based): chr17:1,736,197, G>T. VCF-style: chr17-1736197-G-T. GRCh37 (hg19) VCF-style: chr17-1639491-G-T.
Other names: c.1875G>T, p.Glu625Asp (NM_001163673.2); c.1803G>T, p.Glu601Asp (NM_001163811.2); c.2331G>T, p.Glu777Asp (NM_152348.4); short protein forms E1828D, E601D, E625D, E777D.
Identifiers: ClinVar variation 2582093 (VCV002582093.1), dbSNP rs547434413, ClinGen allele CA8273881.